The following is an entry in ClinVar:

ClinVar aggregate classification (germline): Uncertain significance (1 of 4 stars; one submission).

Submission:

Ambry Genetics
Classification: Uncertain significance. Last evaluated: 2025-04-06. Review status: criteria provided, single submitter. Criteria: Ambry Variant Classification Scheme 2023. Collection method: clinical testing. Allele origin: germline.
Comment: The p.T536K variant (also known as c.1607C>A), located in coding exon 12 of the RECQL gene, results from a C to A substitution at nucleotide position 1607. The threonine at codon 536 is replaced by lysine, an amino acid with similar properties. This amino acid position is conserved. In addition, this alteration is predicted to be tolerated by in silico analysis. Based on the available evidence, the clinical significance of this variant remains unclear.

NM_002907.4(RECQL):c.1607C>A (p.Thr536Lys)

Gene: RECQL (RecQ like helicase; minus strand). Cytogenetic location: 12p12.1.
Variant type: single nucleotide variant.
Coding change: c.1607C>A on transcript NM_002907.4 (MANE Select); coding-DNA position 1607, C replaced by A.
Protein change: p.Thr536Lys; replaces threonine 536 with lysine.
Molecular consequence: missense variant.
Genome position (GRCh38, 1-based): chr12:21,471,488, G>T on the plus strand (C>A on the coding strand, the complement: RECQL is on the minus strand). VCF-style: chr12-21471488-G-T. GRCh37 (hg19) VCF-style: chr12-21624422-G-T.
Other names: c.1607C>A, p.Thr536Lys (NM_032941.3); short protein forms T536K.
Identifiers: ClinVar variation 3944204 (VCV003944204.1).